The following is an entry in ClinVar:

NM_001146.5(ANGPT1):c.520G>C (p.Glu174Gln)

Gene: ANGPT1 (angiopoietin 1; minus strand). Cytogenetic location: 8q23.1.
Variant type: single nucleotide variant.
Coding change: c.520G>C on transcript NM_001146.5 (MANE Select); coding-DNA position 520, G replaced by C.
Protein change: p.Glu174Gln; replaces glutamic acid 174 with glutamine.
Molecular consequence: missense variant. On other transcripts: 5 prime UTR variant (1).
Genome position (GRCh38, 1-based): chr8:107,336,205, C>G on the plus strand (G>C on the coding strand, the complement: ANGPT1 is on the minus strand). VCF-style: chr8-107336205-C-G. GRCh37 (hg19) VCF-style: chr8-108348433-C-G.
Other names: c.520G>C, p.Glu174Gln (NM_001199859.3); c.-81G>C (NM_001314051.2); short protein forms E174Q.
Identifiers: ClinVar variation 2973856 (VCV002973856.3), dbSNP rs750017837, ClinGen allele CA4841338.
Genomic context (GRCh38, chr8:107,336,205, plus strand): 5'-CTCACCTGTTTTTTTCATGGATCTTCAAGATTTCATTTGTCTGTTGAAGAAGTTGCTTCT[C>G]TAGCTTGTAGGTGGATAATGAATTCTCCAGCAGCTGTATCTCAAGTCGAGAAGTTTGATT-3'
Protein context (NP_001137.2, residues 164-184): LENSLSTYKL[Glu174Gln]KQLLQQTNEI

ClinVar aggregate classification (germline): Uncertain significance (1 of 4 stars; one submission).

Allele frequency attached by ClinVar (database versions not stated): ExAC 0.00001; gnomAD 0.00001; gnomAD exomes 0.00001.
gnomAD v4.1: 10 of 1,609,930 alleles (0.00062%); highest among the groups gnomAD compares: Non-Finnish European, 0.00085%; no homozygotes.

Submission:

Labcorp Genetics (formerly Invitae), Labcorp
Classification: Uncertain significance. Last evaluated: 2022-11-14. Review status: criteria provided, single submitter. Criteria: Invitae Variant Classification Sherloc (09022015). Collection method: clinical testing. Allele origin: germline.
Comment: This sequence change replaces glutamic acid, which is acidic and polar, with glutamine, which is neutral and polar, at codon 174 of the ANGPT1 protein (p.Glu174Gln). The frequency data for this variant in the population databases is considered unreliable, as metrics indicate poor data quality at this position in the gnomAD database. This variant has not been reported in the literature in individuals affected with ANGPT1-related conditions. Algorithms developed to predict the effect of missense changes on protein structure and function (SIFT, PolyPhen-2, Align-GVGD) all suggest that this variant is likely to be disruptive. In summary, the available evidence is currently insufficient to determine the role of this variant in disease. Therefore, it has been classified as a Variant of Uncertain Significance.